The following is an entry in ClinVar:

ClinVar aggregate classification (germline): Uncertain significance (1 of 4 stars; one submission).

Conditions:
Inborn genetic diseases. Identifiers: MedGen C0950123, MeSH D030342.

gnomAD v4.1: 2 of 1,614,014 alleles (0.00012%); highest among the groups gnomAD compares: African/African-American, 0.0027%; no homozygotes.

Submission:

Ambry Genetics
Classification: Uncertain significance for Inborn genetic diseases. Last evaluated: 2024-12-30. Review status: criteria provided, single submitter. Criteria: Ambry Variant Classification Scheme 2023. Collection method: clinical testing. Allele origin: germline.
Comment: The c.1099-5C>G intronic variant results from a C to G substitution 5 nucleotides upstream from coding exon 11 in the DDX41 gene. This nucleotide position is not well conserved in available vertebrate species. In silico splice site analysis predicts that this alteration may weaken the native splice acceptor site; however, direct evidence is insufficient at this time (Ambry internal data). Based on the available evidence, the clinical significance of this variant remains unclear.

NM_016222.4(DDX41):c.1099-5C>G

Gene: DDX41 (DEAD-box helicase 41; minus strand). Cytogenetic location: 5q35.3.
Variant type: single nucleotide variant.
Coding change: c.1099-5C>G on transcript NM_016222.4 (MANE Select); 5 bases into the intron before coding-DNA position 1099, C replaced by G.
Molecular consequence: intron variant.
Genome position (GRCh38, 1-based): chr5:177,513,489, G>C on the plus strand (C>G on the coding strand, the complement: DDX41 is on the minus strand). VCF-style: chr5-177513489-G-C. GRCh37 (hg19) VCF-style: chr5-176940490-G-C.
Other names: c.721-5C>G (NM_001321830.2, NM_001321732.2).
Identifiers: ClinVar variation 3838942 (VCV003838942.1).
Genomic context (GRCh38, chr5:177,513,489, plus strand): 5'-AAGTTCTGAATCTTCTTCGGCATGGTGGCACTGAAGAGCAGGGTCTGTCGCTGGCCCTGA[G>C]GAAGAGGGGGGCTGCGACCAAGGGCACACAGGGCTGGGCTGAGGGGCATGGGGTCTGGGG-3'